The following is an entry in ClinVar:

NM_004629.2(FANCG):c.294G>C (p.Arg98=)

Gene: FANCG (FA complementation group G; minus strand). Cytogenetic location: 9p13.3.
Variant type: single nucleotide variant.
Coding change: c.294G>C on transcript NM_004629.2 (MANE Select); coding-DNA position 294, G replaced by C.
Protein change: p.Arg98=; no amino-acid change (arginine 98 retained).
Molecular consequence: synonymous variant.
Genome position (GRCh38, 1-based): chr9:35,078,618, C>G on the plus strand (G>C on the coding strand, the complement: FANCG is on the minus strand). VCF-style: chr9-35078618-C-G. GRCh37 (hg19) VCF-style: chr9-35078615-C-G.
Identifiers: ClinVar variation 4998379 (VCV004998379.1).
Genomic context (GRCh38, chr9:35,078,618, plus strand): 5'-CCAGACTGAAGATGGCAGGGGAATCAGGGACAATCTCTGGCCCTCACCTCTCTCTAGGCT[C>G]CGCTGGATATCCTGGGCCTGATCCTCTGTGAAACCCTGGGCCAAGCTTGCCCTCAGGATA-3'
Protein context (NP_004620.1, residues 88-108): FTEDQAQDIQ[Arg98=]SLERVLETQE

ClinVar aggregate classification (germline): Likely benign (1 of 4 stars; one submission).

Conditions:
FANCG-related disorder. Also called: FANCG-related condition.

Submission:

PreventionGenetics, part of Exact Sciences
Classification: Likely benign for FANCG-related condition. Last evaluated: 2025-01-30. Review status: criteria provided, single submitter. Criteria: ACMG Guidelines, 2015. Collection method: clinical testing. Allele origin: germline.
Comment: This variant is classified as likely benign based on ACMG/AMP sequence variant interpretation guidelines (Richards et al. 2015 PMID: 25741868, with internal and published modifications).